The following is an entry in ClinVar:

ClinVar aggregate classification (germline): Conflicting classifications of pathogenicity. Review status: criteria provided, conflicting classifications (1 of 4 stars). 2 submissions from 2 submitters: Uncertain significance (1); Benign (1). Last evaluated 2024-07-15.

Conditions:
CHARGE syndrome (CHARGE). Also called: Coloboma, heart anomaly, choanal atresia, retardation, genital and ear anomalies; CHARGE association; Hall-Hittner syndrome; Hittner Hirsch Kreh syndrome; CHARGE ASSOCIATION--COLOBOMA, HEART ANOMALY, CHOANAL ATRESIA, RETARDATION, GENITAL AND EAR ANOMALIES. Identifiers: Orphanet 138, MedGen C0265354, MONDO:0008965.
Inborn genetic diseases. Identifiers: MedGen C0950123, MeSH D030342.

Allele frequency attached by ClinVar (database versions not stated): gnomAD exomes 0.00001; ExAC 0.00002; gnomAD 0.00002.
gnomAD v4.1: 18 of 1,613,850 alleles (0.0011%); highest among the groups gnomAD compares: Non-Finnish European, 0.0013%; no homozygotes.

Submissions (2):

Labcorp Genetics (formerly Invitae), Labcorp
Classification: Benign for CHARGE syndrome. Last evaluated: 2024-07-15. Review status: criteria provided, single submitter. Criteria: Invitae Variant Classification Sherloc (09022015). Collection method: clinical testing. Allele origin: germline.

Ambry Genetics
Classification: Uncertain significance for Inborn genetic diseases. Last evaluated: 2019-05-30. Review status: criteria provided, single submitter. Criteria: Ambry Variant Classification Scheme 2023. Collection method: clinical testing. Allele origin: germline.
Comment: The p.A99V variant (also known as c.296C>T), located in coding exon 1 of the CHD7 gene, results from a C to T substitution at nucleotide position 296. The alanine at codon 99 is replaced by valine, an amino acid with similar properties. This amino acid position is well conserved in available vertebrate species. In addition, this alteration is predicted to be tolerated by in silico analysis. Since supporting evidence is limited at this time, the clinical significance of this alteration remains unclear.

NM_017780.4(CHD7):c.296C>T (p.Ala99Val)

Gene: CHD7 (chromodomain helicase DNA binding protein 7; plus strand). Cytogenetic location: 8q12.2.
Variant type: single nucleotide variant.
Coding change: c.296C>T on transcript NM_017780.4 (MANE Select); coding-DNA position 296, C replaced by T.
Protein change: p.Ala99Val; replaces alanine 99 with valine.
Molecular consequence: missense variant.
Genome position (GRCh38, 1-based): chr8:60,741,728, C>T. VCF-style: chr8-60741728-C-T. GRCh37 (hg19) VCF-style: chr8-61654287-C-T.
Other names: c.296C>T, p.Ala99Val (NM_001316690.1); short protein forms A99V.
Identifiers: ClinVar variation 1502285 (VCV001502285.10), dbSNP rs772466277, ClinGen allele CA4759289.